The following is an entry in ClinVar:

NM_000092.5(COL4A4):c.3577G>C (p.Gly1193Arg)

Gene: COL4A4 (collagen type IV alpha 4 chain; minus strand). Cytogenetic location: 2q36.3.
Variant type: single nucleotide variant.
Coding change: c.3577G>C on transcript NM_000092.5 (MANE Select); coding-DNA position 3577, G replaced by C.
Protein change: p.Gly1193Arg; replaces glycine 1193 with arginine.
Molecular consequence: missense variant.
Genome position (GRCh38, 1-based): chr2:227,033,410, C>G on the plus strand (G>C on the coding strand, the complement: COL4A4 is on the minus strand). VCF-style: chr2-227033410-C-G. GRCh37 (hg19) VCF-style: chr2-227898126-C-G.
Other names: short protein forms G1193R.
Identifiers: ClinVar variation 4879835 (VCV004879835.1).

ClinVar aggregate classification (germline): Likely pathogenic (1 of 4 stars; one submission).

Conditions:
Hematuria, benign familial, 1 (BFH1). Also called: THIN MEMBRANE NEPHROPATHY. Identifiers: MedGen CN376803, MONDO:0007709, OMIM 141200.

Submission:

MVZ Medizinische Genetik Mainz
Classification: Likely pathogenic for Hematuria, benign familial, 1. Last evaluated: 2026-06-17. Review status: criteria provided, single submitter. Criteria: UK Practice Guidelines For Variant Classification V4 01 2020. Collection method: clinical testing. Allele origin: germline. Inheritance: Autosomal dominant inheritance. Affected: yes. Observed: 1 variant allele.
Comment: ACMG Criteria: PM1_STR,PM2_SUP,PP3,PP4